The following is an entry in ClinVar:

ClinVar aggregate classification (germline): Uncertain significance (1 of 4 stars; one submission).

Conditions:
Tuberous sclerosis 2 (TSC2). Identifiers: Orphanet 805, MedGen C1860707, MONDO:0013199, OMIM 613254.

gnomAD v4.1: 1 of 1,613,142 alleles (0.000062%); highest among the groups gnomAD compares: Middle Eastern, 0.017%; no homozygotes.

Submission:

Labcorp Genetics (formerly Invitae), Labcorp
Classification: Uncertain significance for Tuberous sclerosis 2. Last evaluated: 2024-02-17. Review status: criteria provided, single submitter. Criteria: Invitae Variant Classification Sherloc (09022015). Collection method: clinical testing. Allele origin: germline.
Comment: This sequence change replaces histidine, which is basic and polar, with arginine, which is basic and polar, at codon 1506 of the TSC2 protein (p.His1506Arg). This variant is not present in population databases (gnomAD no frequency). This variant has not been reported in the literature in individuals affected with TSC2-related conditions. ClinVar contains an entry for this variant (Variation ID: 1355133). Advanced modeling of protein sequence and biophysical properties (such as structural, functional, and spatial information, amino acid conservation, physicochemical variation, residue mobility, and thermodynamic stability) performed at Invitae indicates that this missense variant is not expected to disrupt TSC2 protein function with a negative predictive value of 95%. In summary, the available evidence is currently insufficient to determine the role of this variant in disease. Therefore, it has been classified as a Variant of Uncertain Significance.

NM_000548.5(TSC2):c.4517A>G (p.His1506Arg)

Gene: TSC2 (TSC complex subunit 2; plus strand). Cytogenetic location: 16p13.3.
Variant type: single nucleotide variant.
Coding change: c.4517A>G on transcript NM_000548.5 (MANE Select); coding-DNA position 4517, A replaced by G.
Protein change: p.His1506Arg; replaces histidine 1506 with arginine.
Molecular consequence: missense variant.
Genome position (GRCh38, 1-based): chr16:2,084,974, A>G. VCF-style: chr16-2084974-A-G. GRCh37 (hg19) VCF-style: chr16-2134975-A-G.
Other names: c.4316A>G, p.His1439Arg (NM_001077183.3); c.4448A>G, p.His1483Arg (NM_001114382.3); c.4208A>G, p.His1403Arg (NM_001318827.2); c.4172A>G, p.His1391Arg (NM_001318829.2); c.3785A>G, p.His1262Arg (NM_001318831.2); c.4349A>G, p.His1450Arg (NM_001318832.2); c.4319A>G, p.His1440Arg (NM_001363528.2); c.4385A>G, p.His1462Arg (NM_001370404.1); and 1 more; short protein forms H1391R, H1439R, H1463R, H1440R, H1450R, H1262R, H1462R, H1483R.
Identifiers: ClinVar variation 1355133 (VCV001355133.8), dbSNP rs2090581620, ClinGen allele CA394302766.